The following is an entry in ClinVar:

ClinVar aggregate classification (germline): Pathogenic/Likely pathogenic. Review status: criteria provided, multiple submitters, no conflicts (2 of 4 stars). 3 submissions from 3 submitters: Pathogenic (1); Likely pathogenic (1). 1 of the submissions does not count toward it. Last evaluated 2025-03-04.

Conditions:
Agenesis of the corpus callosum with peripheral neuropathy (ACCPN). Also called: Hereditary Motor and Sensory Neuropathy with Agenesis of the Corpus Callosum; POLYNEUROPATHY, SENSORIMOTOR, WITH OR WITHOUT AGENESIS OF THE CORPUS CALLOSUM; HMSN/ACC; CHARLEVOIX DISEASE. Identifiers: Orphanet 1496, MedGen C0795950, MONDO:0000902, OMIM 218000. Disease mechanism: loss of function.

gnomAD v4.1: 6 of 1,613,006 alleles (0.00037%); highest among the groups gnomAD compares: Non-Finnish European, 0.00051%; no homozygotes.

Submissions (3):

Natera, Inc.
Classification: Likely pathogenic for Andermann syndrome. Last evaluated: 2025-03-04. Review status: criteria provided, single submitter. Criteria: Natera Variant Classification Schema (03/2026). Collection method: clinical testing. Allele origin: germline.
Comment: The c.963C>A variant in SLC12A6 is a nonsense variant predicted to introduce a stop codon at amino acid 321. This variant is expected to result in nonsense mediated decay, truncation, or a dysfunctional protein product. This variant is rare in the general population with a frequency below the threshold expected for the associated phenotype(s). Given the available evidence, this variant is classified as Likely Pathogenic.

Labcorp Genetics (formerly Invitae), Labcorp
Classification: Pathogenic. Last evaluated: 2023-05-13. Review status: criteria provided, single submitter. Criteria: Invitae Variant Classification Sherloc (09022015). Collection method: clinical testing. Allele origin: germline.
Comment: For these reasons, this variant has been classified as Pathogenic. ClinVar contains an entry for this variant (Variation ID: 370595). This variant has not been reported in the literature in individuals affected with SLC12A6-related conditions. This variant is present in population databases (no rsID available, gnomAD 0.0009%). This sequence change creates a premature translational stop signal (p.Tyr321*) in the SLC12A6 gene. It is expected to result in an absent or disrupted protein product. Loss-of-function variants in SLC12A6 are known to be pathogenic (PMID: 12368912, 16606917).

Counsyl
Classification: Likely pathogenic for Agenesis of the corpus callosum with peripheral neuropathy. Last evaluated: 2016-03-03. Review status: no assertion criteria provided. Collection method: clinical testing. Allele origin: unknown. Not counted in ClinVar's aggregate classification.

Literature cited by the submitters: PubMed 12368912 (cited by Labcorp Genetics (formerly Invitae), Labcorp); PubMed 16606917 (cited by Labcorp Genetics (formerly Invitae), Labcorp).

NM_001365088.1(SLC12A6):c.963C>A (p.Tyr321Ter)

Gene: SLC12A6 (solute carrier family 12 member 6; minus strand). Cytogenetic location: 15q14.
Variant type: single nucleotide variant.
Coding change: c.963C>A on transcript NM_001365088.1 (MANE Select); coding-DNA position 963, C replaced by A.
Protein change: p.Tyr321Ter; replaces tyrosine 321 with a stop codon.
Molecular consequence: nonsense.
Genome position (GRCh38, 1-based): chr15:34,254,503, G>T on the plus strand (C>A on the coding strand, the complement: SLC12A6 is on the minus strand). VCF-style: chr15-34254503-G-T. GRCh37 (hg19) VCF-style: chr15-34546704-G-T.
Other names: c.786C>A, p.Tyr262Ter (NM_001042494.2, NM_001042495.2); c.936C>A, p.Tyr312Ter (NM_001042496.2); c.918C>A, p.Tyr306Ter (NM_001042497.2); c.810C>A, p.Tyr270Ter (NM_005135.2); c.963C>A, p.Tyr321Ter (NM_133647.2); short protein forms Y270*, Y321*, Y262*, Y312*, Y306*.
Identifiers: ClinVar variation 370595 (VCV000370595.8), dbSNP rs35583475, ClinGen allele CA16041723.
Genomic context (GRCh38, chr15:34,254,503, plus strand): 5'-GTTCACATAGCGTACGCCGATAAATACCACTAATACCATAAGGACCAAGAAAGCTGTGCC[G>T]TAGACACGCATGTTATTTAGCATGGCTGCTGATTCCTTGAGTGCGTCATCACTGTGAAAG-3'